The following is an entry in ClinVar:

ClinVar aggregate classification (germline): Uncertain significance (1 of 4 stars; one submission).

Conditions:
Fabry disease. Also called: Fabry's disease; ALPHA-GALACTOSIDASE A DEFICIENCY; ANDERSON-FABRY DISEASE; CERAMIDE TRIHEXOSIDASE DEFICIENCY; GLA DEFICIENCY; HEREDITARY DYSTOPIC LIPIDOSIS. Identifiers: Orphanet 324, MedGen C0002986, MONDO:0010526, OMIM 301500, HP:0001071. Disease mechanism: Fabry disease is due to inactivating mutations in the X-linked GLA gene resulting in deficiency of the enzyme Alpha Galactosidase-A., loss of function.

Submission:

Genomenon, Inc
Classification: Uncertain significance for Fabry disease. Last evaluated: 2026-09-08. Review status: criteria provided, single submitter. Criteria: Genomenon Sequence Variant Interpretation Standards - Updated. Collection method: curation. Allele origin: germline. Affected: no.
Comment: GLA p.Leu8Arg (c.23T>G) is a missense variant that changes the amino acid at codon 8 from Leucine to Arginine. This variant has been reported in the published literature (PMID:39468034). It is absent or not present at a significant frequency in gnomAD. In conclusion, we classify GLA p.Leu8Arg (c.23T>G) as a variant of uncertain significance.

Literature cited by the submitters: PubMed 39468034.

NM_000169.3(GLA):c.23T>G (p.Leu8Arg)

Genes: GLA (galactosidase alpha; minus strand), RPL36A-HNRNPH2 (RPL36A-HNRNPH2 readthrough; plus strand). Cytogenetic location: Xq22.1.
Variant type: single nucleotide variant.
Coding change: c.23T>G on transcript NM_000169.3 (MANE Select); coding-DNA position 23, T replaced by G.
Protein change: p.Leu8Arg; replaces leucine 8 with arginine.
Molecular consequence: missense variant. On other transcripts: non-coding transcript variant (3), intron variant (2).
Genome position (GRCh38, 1-based): chrX:101,407,881, A>C on the plus strand (T>G on the coding strand, the complement: GLA is on the minus strand). VCF-style: chrX-101407881-A-C. GRCh37 (hg19) VCF-style: chrX-100662869-A-C.
Other names: c.23T>G, p.Leu8Arg (NM_001406747.1, NM_001406748.1, NM_001406749.1); c.301-4055A>C (NM_001199973.2); c.178-4055A>C (NM_001199974.2); short protein forms L8R.
Identifiers: ClinVar variation 4974871 (VCV004974871.1).